The following is an entry in ClinVar:

ClinVar aggregate classification (germline): Uncertain significance. Review status: criteria provided, multiple submitters, no conflicts (2 of 4 stars). 2 submissions from 2 submitters: Uncertain significance (2). Last evaluated 2025-12-26.

Conditions:
Hypertrophic cardiomyopathy. Also called: HYPERTROPHIC MYOCARDIOPATHY. Identifiers: Orphanet 217569, MedGen C0007194, MeSH D002312, MONDO:0005045, HP:0001639.

Allele frequency attached by ClinVar (database versions not stated): ExAC 0.00015; 1000 Genomes Project 30x 0.00016; ESP Exome Variant Server 0.00016; gnomAD exomes 0.00018 and 0.00027; 1000 Genomes Project 0.00020; gnomAD 0.00029 and 0.00031; TOPMed 0.00030.
gnomAD v4.1: 449 of 1,613,918 alleles (0.028%); highest among the groups gnomAD compares: Admixed American, 0.073%; no homozygotes.

Submissions (2):

Labcorp Genetics (formerly Invitae), Labcorp
Classification: Uncertain significance for Hypertrophic cardiomyopathy. Last evaluated: 2025-12-26. Review status: criteria provided, single submitter. Criteria: Invitae Variant Classification Sherloc (09022015). Collection method: clinical testing. Allele origin: germline.
Comment: This sequence change replaces serine, which is neutral and polar, with phenylalanine, which is neutral and non-polar, at codon 579 of the MYOM1 protein (p.Ser579Phe). This variant is present in population databases (rs185573271, gnomAD 0.06%), and has an allele count higher than expected for a pathogenic variant. This variant has not been reported in the literature in individuals affected with MYOM1-related conditions. ClinVar contains an entry for this variant (Variation ID: 454431). Invitae Evidence Modeling of protein sequence and biophysical properties (such as structural, functional, and spatial information, amino acid conservation, physicochemical variation, residue mobility, and thermodynamic stability) indicates that this missense variant is expected to disrupt MYOM1 protein function with a positive predictive value of 80%. In summary, the available evidence is currently insufficient to determine the role of this variant in disease. Therefore, it has been classified as a Variant of Uncertain Significance.

Ambry Genetics
Classification: Uncertain significance. Last evaluated: 2024-05-10. Review status: criteria provided, single submitter. Criteria: Ambry Variant Classification Scheme 2023. Collection method: clinical testing. Allele origin: germline.

NM_003803.4(MYOM1):c.1736C>T (p.Ser579Phe)

Gene: MYOM1 (myomesin 1; minus strand). Cytogenetic location: 18p11.31.
Variant type: single nucleotide variant.
Coding change: c.1736C>T on transcript NM_003803.4 (MANE Select); coding-DNA position 1736, C replaced by T.
Protein change: p.Ser579Phe; replaces serine 579 with phenylalanine.
Molecular consequence: missense variant.
Genome position (GRCh38, 1-based): chr18:3,151,801, G>A on the plus strand (C>T on the coding strand, the complement: MYOM1 is on the minus strand). VCF-style: chr18-3151801-G-A. GRCh37 (hg19) VCF-style: chr18-3151799-G-A.
Other names: c.1736C>T, p.Ser579Phe (NM_019856.2); short protein forms S579F.
Identifiers: ClinVar variation 454431 (VCV000454431.11), dbSNP rs185573271, ClinGen allele CA8874869.